The following is an entry in ClinVar:

NM_024312.5(GNPTAB):c.2748C>A (p.Tyr916Ter)

Gene: GNPTAB (N-acetylglucosamine-1-phosphate transferase subunits alpha and beta; minus strand). Cytogenetic location: 12q23.2.
Variant type: single nucleotide variant.
Coding change: c.2748C>A on transcript NM_024312.5 (MANE Select); coding-DNA position 2748, C replaced by A.
Protein change: p.Tyr916Ter; replaces tyrosine 916 with a stop codon.
Molecular consequence: nonsense.
Genome position (GRCh38, 1-based): chr12:101,761,731, G>T on the plus strand (C>A on the coding strand, the complement: GNPTAB is on the minus strand). VCF-style: chr12-101761731-G-T. GRCh37 (hg19) VCF-style: chr12-102155509-G-T.
Other names: short protein forms Y916*.
Identifiers: ClinVar variation 5013829 (VCV005013829.1).

ClinVar aggregate classification (germline): Pathogenic (1 of 4 stars; one submission).

Conditions:
GNPTAB-mucolipidosis. Also called: UDP-N-acetylglucosamine-1-phosphotransferase subunit alpha/beta deficiency. Identifiers: MedGen CN322573, MONDO:0100122.

Submission:

Myriad Genetics, Inc.
Classification: Pathogenic for GNPTAB-mucolipidosis. Last evaluated: 2024-11-30. Review status: criteria provided, single submitter. Criteria: Myriad Autosomal Dominant, Autosomal Recessive and X-Linked Classification Criteria (2023). Collection method: clinical testing. Allele origin: unknown.
Comment: NM_024312.4(GNPTAB):c.2748C>A(Y916*) is expected to be pathogenic in the context of GNPTAB-related disorders. This variant is predicted to lead to an abnormal or absent protein product due to the creation of a premature termination codon in GNPTAB, a gene where loss-of-function variants are known to be pathogenic. Please note: this variant was assessed in the context of healthy population screening.